The following is an entry in ClinVar:

NM_000264.5(PTCH1):c.2703+1G>A

Gene: PTCH1 (patched 1; minus strand). Cytogenetic location: 9q22.32.
Variant type: single nucleotide variant.
Coding change: c.2703+1G>A on transcript NM_000264.5 (MANE Select); the canonical splice donor site of the intron after coding-DNA position 2703, G replaced by A.
Molecular consequence: splice donor variant.
Genome position (GRCh38, 1-based): chr9:95,461,855, C>T on the plus strand (G>A on the coding strand, the complement: PTCH1 is on the minus strand). VCF-style: chr9-95461855-C-T. GRCh37 (hg19) VCF-style: chr9-98224137-C-T.
Other names: c.2700+1G>A (NM_001083603.3); c.2505+1G>A (NM_001083602.3); c.2547+1G>A (NM_001354918.2); c.2250+1G>A (NM_001083605.3, NM_001083604.3, NM_001083606.3 and 1 more transcripts).
Identifiers: ClinVar variation 2111746 (VCV002111746.4), dbSNP rs2136686539, ClinGen allele CA374113273.

ClinVar aggregate classification (germline): Likely pathogenic (1 of 4 stars; one submission).

Conditions:
Gorlin syndrome. Also called: Nevoid Basal Cell Carcinoma Syndrome; Basal cell nevus syndrome. Identifiers: Orphanet 377, MedGen C0004779, MONDO:0007187.

Submission:

Labcorp Genetics (formerly Invitae), Labcorp
Classification: Likely pathogenic for Gorlin syndrome. Last evaluated: 2022-03-14. Review status: criteria provided, single submitter. Criteria: Invitae Variant Classification Sherloc (09022015). Collection method: clinical testing. Allele origin: germline.
Comment: In summary, the currently available evidence indicates that the variant is pathogenic, but additional data are needed to prove that conclusively. Therefore, this variant has been classified as Likely Pathogenic. Studies have shown that disruption of this splice site results in activation of cryptic splice sites and introduces a premature termination codon (Invitae). The resulting mRNA is expected to undergo nonsense-mediated decay. Disruption of this splice site has been observed in individual(s) with clinical features of basal cell nevus syndrome (PMID: 24814739). This variant is not present in population databases (gnomAD no frequency). This sequence change affects a donor splice site in intron 16 of the PTCH1 gene. RNA analysis indicates that disruption of this splice site induces altered splicing and may result in an absent or disrupted protein product.

Literature cited by the submitters: PubMed 24814739.